The following is an entry in ClinVar:

NM_174936.4(PCSK9):c.914C>A (p.Ala305Glu)

Gene: PCSK9 (proprotein convertase subtilisin/kexin type 9; plus strand). Cytogenetic location: 1p32.3.
Variant type: single nucleotide variant.
Coding change: c.914C>A on transcript NM_174936.4 (MANE Select); coding-DNA position 914, C replaced by A.
Protein change: p.Ala305Glu; replaces alanine 305 with glutamic acid.
Molecular consequence: missense variant. On other transcripts: non-coding transcript variant (8).
Genome position (GRCh38, 1-based): chr1:55,056,107, C>A. VCF-style: chr1-55056107-C-A. GRCh37 (hg19) VCF-style: chr1-55521780-C-A.
Other names: c.1037C>A, p.Ala346Glu (NM_001407240.1); c.914C>A, p.Ala305Glu (NM_001407241.1, NM_001407244.1, NM_001407247.1); c.917C>A, p.Ala306Glu (NM_001407242.1); c.857C>A, p.Ala286Glu (NM_001407243.1); c.722C>A, p.Ala241Glu (NM_001407245.1); c.539C>A, p.Ala180Glu (NM_001407246.1); short protein forms A180E, A241E, A346E, A305E, A306E, A286E.
Identifiers: ClinVar variation 2774047 (VCV002774047.3), dbSNP rs1239236028, ClinGen allele CA340474825.

ClinVar aggregate classification (germline): Uncertain significance. Review status: criteria provided, multiple submitters, no conflicts (2 of 4 stars). 2 submissions from 2 submitters: Uncertain significance (2). Last evaluated 2023-04-28.

Conditions:
Hypercholesterolemia, autosomal dominant, 3 (FHCL3). Also called: Familial Hypercholesterolemia, Autosomal Dominant, 3; PCSK9-Related Familial Hypercholesterolemia, Autosomal Dominant; Familial hypercholesterolemia 3. Identifiers: MedGen C1863551, MONDO:0011369, OMIM 603776.
Familial hypercholesterolemia. Also called: Familial hypercholesterolemias; Familial hypercholesterolaemia. Identifiers: MedGen C0020445, MONDO:0005439.

Submissions (2):

All of Us Research Program, National Institutes of Health
Classification: Uncertain significance for Hypercholesterolemia, autosomal dominant, 3. Last evaluated: 2023-04-28. Review status: criteria provided, single submitter. Criteria: ACMG Guidelines, 2015. Collection method: clinical testing. Allele origin: germline. Inheritance: Autosomal dominant inheritance. Observed: 1 variant allele, 1 heterozygote.
Comment: This missense variant replaces alanine with glutamic acid at codon 305 of the PCSK9 protein. Computational prediction suggests that this variant may not impact protein structure and function (internally defined REVEL score threshold <= 0.5, PMID: 27666373). To our knowledge, functional studies have not been reported for this variant. This variant has not been reported in individuals affected with PCSK9-related disorders in the literature. This variant has not been identified in the general population by the Genome Aggregation Database (gnomAD). The available evidence is insufficient to determine the role of this variant in disease conclusively. Therefore, this variant is classified as a Variant of Uncertain Significance.

This study involves interpretation of variants in research participants for the purpose of population health screening. Participant phenotype was not available at the time of variant classification. Additional details can be found in publication PMID: 35346344, PMCID: PMC8962531

Color Diagnostics, LLC DBA Color Health
Classification: Uncertain significance for Familial hypercholesterolemia. Last evaluated: 2022-11-06. Review status: criteria provided, single submitter. Criteria: ACMG Guidelines, 2015. Collection method: clinical testing. Allele origin: germline.
Comment: This missense variant replaces alanine with glutamic acid at codon 305 of the PCSK9 protein. Computational prediction suggests that this variant may not impact protein structure and function (internally defined REVEL score threshold <= 0.5, PMID: 27666373). To our knowledge, functional studies have not been reported for this variant. This variant has not been reported in individuals affected with PCSK9-related disorders in the literature. This variant has not been identified in the general population by the Genome Aggregation Database (gnomAD). The available evidence is insufficient to determine the role of this variant in disease conclusively. Therefore, this variant is classified as a Variant of Uncertain Significance.